The following is an entry in ClinVar:

NM_004958.4(MTOR):c.4444C>T (p.Arg1482Cys)

Gene: MTOR (mechanistic target of rapamycin kinase; minus strand). Cytogenetic location: 1p36.22.
Variant type: single nucleotide variant.
Coding change: c.4444C>T on transcript NM_004958.4 (MANE Select); coding-DNA position 4444, C replaced by T.
Protein change: p.Arg1482Cys; replaces arginine 1482 with cysteine.
Molecular consequence: missense variant.
Genome position (GRCh38, 1-based): chr1:11,157,177, G>A on the plus strand (C>T on the coding strand, the complement: MTOR is on the minus strand). VCF-style: chr1-11157177-G-A. GRCh37 (hg19) VCF-style: chr1-11217234-G-A.
Other names: c.4444C>T, p.Arg1482Cys (NM_001386500.1); c.3196C>T, p.Arg1066Cys (NM_001386501.1); short protein forms R1066C, R1482C.
Identifiers: ClinVar variation 1223460 (VCV001223460.26), dbSNP rs1031980569, ClinGen allele CA17913606.
Genomic context (GRCh38, chr1:11,157,177, plus strand): 5'-TGCAGCCACACATGCCATCATTCTAGGAAGCTCACCATTCCCCCAAGGCCTCGAGGCAGC[G>A]CATGCGGCCCAGCATCAGCTCTGGGTCGTCCTTGTTGGTGTCCATTTTCTTGTCATAGGC-3'
Protein context (NP_004949.1, residues 1472-1492): DDPELMLGRM[Arg1482Cys]CLEALGEWGQ

ClinVar aggregate classification (germline): Conflicting classifications of pathogenicity. Review status: criteria provided, conflicting classifications (1 of 4 stars). 3 submissions from 3 submitters: Likely pathogenic (1); Uncertain significance (1). 1 of the submissions does not count toward it. Last evaluated 2024-03-01.

Conditions:
MTOR-related disorder. Also called: MTOR-related condition.

Allele frequency attached by ClinVar (database versions not stated): TOPMed 0.00001.
gnomAD v4.1: 3 of 1,611,436 alleles (0.00019%); highest among the groups gnomAD compares: Non-Finnish European, 0.00025%; no homozygotes.

Submissions (3):

CeGaT Center for Human Genetics Tuebingen
Classification: Uncertain significance. Last evaluated: 2024-03-01. Review status: criteria provided, single submitter. Criteria: CeGaT Center For Human Genetics Tuebingen Variant Classification Criteria Version 2. Collection method: clinical testing. Allele origin: germline. Affected: yes. Observed: 1 variant allele.
Comment: MTOR: PM2, PP3

GeneDx
Classification: Likely pathogenic. Last evaluated: 2020-12-24. Review status: criteria provided, single submitter. Criteria: GeneDx Variant Classification Process June 2021. Collection method: clinical testing. Allele origin: germline. Affected: yes.
Comment: In silico analysis supports that this missense variant has a deleterious effect on protein structure/function; Has not been previously published as pathogenic or benign to our knowledge

PreventionGenetics, part of Exact Sciences
Classification: Uncertain significance for MTOR-related condition. Last evaluated: 2024-01-09. Review status: no assertion criteria provided. Collection method: clinical testing. Allele origin: germline. Not counted in ClinVar's aggregate classification.
Comment: The MTOR c.4444C>T variant is predicted to result in the amino acid substitution p.Arg1482Cys. This variant was reported in a consanguineous sibling pair with neonatal lethal arthrogryposis; however, the variant was inherited from their healthy father, and a homozygous SLC6A9 variant segregated with disease (Daşar, T. et al. 2022. PubMed ID: 36195292). This variant is absent from a large population database, indicating it is rare. At this time, the clinical significance of this variant is uncertain due to the absence of conclusive functional and genetic evidence.